The following is an entry in ClinVar:

NM_020297.4(ABCC9):c.4512+765C>T

Genes: ABCC9 (ATP binding cassette subfamily C member 9; minus strand), KCNJ8-AS1 (KCNJ8 antisense RNA 1; plus strand). Cytogenetic location: 12p12.1.
Variant type: single nucleotide variant.
Coding change: c.4512+765C>T on transcript NM_020297.4 (MANE Select); 765 bases into the intron after coding-DNA position 4512, C replaced by T.
Molecular consequence: intron variant. On other transcripts: missense variant (1).
Genome position (GRCh38, 1-based): chr12:21,805,233, G>A on the plus strand (C>T on the coding strand, the complement: ABCC9 is on the minus strand). VCF-style: chr12-21805233-G-A. GRCh37 (hg19) VCF-style: chr12-21958167-G-A.
Other names: c.4591C>T, p.Pro1531Ser (NM_005691.4); c.3645+765C>T (NM_001377274.1); c.4512+765C>T (NM_001377273.1); short protein forms P1531S.
Identifiers: ClinVar variation 228426 (VCV000228426.21), dbSNP rs142875103, ClinGen allele CA6480809.
Genomic context (GRCh38, chr12:21,805,233, plus strand): 5'-TCTACTTGTTGGTCATCACCAAAGTGGAAAAGAGGCCATTCTTGTGGGCGAGCAAATTTG[G>A]GACAGTATCACACTCCACTAAAATACCCTCAGAAAAGACTAAAACAAGGCCTGCATCCAT-3'

ClinVar aggregate classification (germline): Conflicting classifications of pathogenicity. Review status: criteria provided, conflicting classifications (1 of 4 stars). 5 submissions from 5 submitters: Uncertain significance (3); Likely benign (2). Last evaluated 2026-01-11.

Conditions:
Dilated cardiomyopathy 1O (CMD1O). Also called: CARDIOMYOPATHY, DILATED, WITH VENTRICULAR TACHYCARDIA. Identifiers: Orphanet 154, MedGen C1837839, MONDO:0012062, OMIM 608569.
Atrial fibrillation, familial, 12 (ATFB12). Identifiers: MedGen C3279695, MONDO:0013545, OMIM 614050.
Hypertrichotic osteochondrodysplasia Cantu type. Also called: Cantu Syndrome; Cantú Syndrome. Identifiers: Orphanet 1517, MedGen C0795905, MONDO:0009406, OMIM 239850.
Intellectual disability and myopathy syndrome (IDMYS). Identifiers: MedGen C5676904, MONDO:0859224, OMIM 619719.
Cardiovascular phenotype. Identifiers: MedGen CN230736.

Allele frequency attached by ClinVar (database versions not stated): gnomAD exomes 0.00001 and 0.00005; ExAC 0.00006; ESP Exome Variant Server 0.00008; gnomAD 0.00015 and 0.00016; TOPMed 0.00015.
gnomAD v4.1: 43 of 1,613,664 alleles (0.0027%); highest among the groups gnomAD compares: African/African-American, 0.049%; no homozygotes.

Submissions (5):

Labcorp Genetics (formerly Invitae), Labcorp
Classification: Likely benign for Dilated cardiomyopathy 1O. Last evaluated: 2026-01-11. Review status: criteria provided, single submitter. Criteria: Invitae Variant Classification Sherloc (09022015). Collection method: clinical testing. Allele origin: germline.

GeneDx
Classification: Uncertain significance. Last evaluated: 2023-12-21. Review status: criteria provided, single submitter. Criteria: GeneDx Variant Classification Process June 2021. Collection method: clinical testing. Allele origin: germline. Affected: yes.
Comment: Identified in a patient with DCM in published literature (PMID: 31983221); In silico analysis supports that this missense variant does not alter protein structure/function; Reported using an alternate transcript of the gene; This variant is associated with the following publications: (PMID: 31983221)

Ambry Genetics
Classification: Likely benign for Cardiovascular phenotype. Last evaluated: 2023-05-23. Review status: criteria provided, single submitter. Criteria: Ambry Variant Classification Scheme 2023. Collection method: clinical testing. Allele origin: germline.

Fulgent Genetics
Classification: Uncertain significance for Hypertrichotic osteochondrodysplasia Cantu type; Dilated cardiomyopathy 1O; Atrial fibrillation, familial, 12; Intellectual disability and myopathy syndrome. Last evaluated: 2021-10-29. Review status: criteria provided, single submitter. Criteria: ACMG Guidelines, 2015. Collection method: clinical testing. Allele origin: unknown.

Laboratory for Molecular Medicine, Mass General Brigham Personalized Medicine
Classification: Uncertain significance. Last evaluated: 2015-09-22. Review status: criteria provided, single submitter. Criteria: LMM Criteria. Collection method: clinical testing. Allele origin: germline. Observed: 1 variant allele.
Comment: Variant classified as Uncertain Significance - Favor Benign. The p.Pro1531Ser va riant in ABCC9 has not been previously reported in individuals with cardiomyopat hy, but has been identified in 6/10386 of African chromosomes by the Exome Aggre gation Consortium (ExAC; dbSNP rs142875103). Pro line (Pro) at position 1531 is not conserved in mammals or evolutionarily distan t species and >15 birds and reptiles carry a serine (Ser) at this position, rais ing the possibility that this change may be tolerated. In summary, while the cli nical significance of the p.Pro1531Ser variant is uncertain, these data suggest that it is more likely to be benign.

Literature cited by the submitters: PubMed 31983221 (cited by Ambry Genetics).